The following is an entry in ClinVar:

NM_003334.4(UBA1):c.1576-161G>A

Genes: INE1 (inactivation escape 1; plus strand), UBA1 (ubiquitin like modifier activating enzyme 1; plus strand). Cytogenetic location: Xp11.3.
Variant type: single nucleotide variant.
Coding change: c.1576-161G>A on transcript NM_003334.4 (MANE Select); 161 bases into the intron before coding-DNA position 1576, G replaced by A.
Molecular consequence: intron variant. On other transcripts: non-coding transcript variant (1).
Genome position (GRCh38, 1-based): chrX:47,205,787, G>A. VCF-style: chrX-47205787-G-A. GRCh37 (hg19) VCF-style: chrX-47065186-G-A.
Other names: c.1576-161G>A (NM_153280.3).
Identifiers: ClinVar variation 670264 (VCV000670264.2), dbSNP rs4339766, ClinGen allele CA329037238.

ClinVar aggregate classification (germline): Benign. Review status: criteria provided, multiple submitters, no conflicts (2 of 4 stars). 2 submissions from 2 submitters: Benign (2). Last evaluated 2018-06-14.

Allele frequency attached by ClinVar (database versions not stated): gnomAD 0.29082 and 0.30071; TOPMed 0.31290; gnomAD exomes 0.33991; 1000 Genomes Project 0.37483; 1000 Genomes Project 30x 0.37586.
gnomAD v4.1: 198,355 of 595,383 alleles (33%); highest among the groups gnomAD compares: South Asian, 58%; 23,656 homozygotes.

Submissions (2):

GeneDx
Classification: Benign. Last evaluated: 2018-06-14. Review status: criteria provided, single submitter. Criteria: GeneDx Variant Classification (06012015). Collection method: clinical testing. Allele origin: germline. Affected: yes.
Comment: This variant is considered likely benign or benign based on one or more of the following criteria: it is a conservative change, it occurs at a poorly conserved position in the protein, it is predicted to be benign by multiple in silico algorithms, and/or has population frequency not consistent with disease.

Breakthrough Genomics
Classification: Benign. Review status: criteria provided, single submitter. Criteria: ACMG Guidelines, 2015. Collection method: not provided. Allele origin: germline. Inheritance: Other. Affected: yes.